The following is an entry in ClinVar:

ClinVar aggregate classification (germline): Pathogenic (1 of 4 stars; one submission).

Conditions:
Hereditary cancer-predisposing syndrome. Also called: Tumor predisposition; Hereditary neoplastic syndrome; Hereditary Cancer Syndrome; Neoplastic Syndromes, Hereditary. Identifiers: Orphanet 140162, MedGen C0027672, MeSH D009386, MONDO:0015356.

Submission:

Ambry Genetics
Classification: Pathogenic for Hereditary cancer-predisposing syndrome. Last evaluated: 2025-12-19. Review status: criteria provided, single submitter. Criteria: Ambry Variant Classification Scheme 2023. Collection method: clinical testing. Allele origin: germline.
Comment: The c.7633delA pathogenic mutation, located in coding exon 51 of the ATM gene, results from a deletion of one nucleotide at nucleotide position 7633, causing a translational frameshift with a predicted alternate stop codon (p.I2545Sfs*19). This variant is considered to be rare based on population cohorts in the Genome Aggregation Database (gnomAD). This alteration is expected to result in loss of function by premature protein truncation or nonsense-mediated mRNA decay. As such, this alteration is interpreted as a disease-causing mutation.

NM_000051.4(ATM):c.7633del (p.Ile2545fs)

Genes: ATM (ATM serine/threonine kinase; plus strand), C11orf65 (chromosome 11 open reading frame 65; minus strand). Cytogenetic location: 11q22.3.
Variant type: Deletion.
Coding change: c.7633del on transcript NM_000051.4 (MANE Select); coding-DNA position 7633, one base deleted (A; older notation c.7633delA).
Protein change: p.Ile2545fs; shifts the reading frame from isoleucine 2545.
Molecular consequence: frameshift variant. On other transcripts: intron variant (2).
Genome position (GRCh38, 1-based): chr11:108,331,882, A deleted; the last of 2 consecutive A bases (chr11:108,331,881-108,331,882); deleting either gives the same sequence. VCF-style (leftmost placement, unchanged base first): chr11-108331880-TA-T. GRCh37 (hg19) VCF-style: chr11-108202607-TA-T.
Other names: c.7633del, p.Ile2545fs (NM_001351834.2); c.641-22810del (NM_001330368.2); c.*38+3339del (NM_001351110.2); short protein forms I2545fs.
Identifiers: ClinVar variation 4843896 (VCV004843896.1).